The following is an entry in ClinVar:

ClinVar aggregate classification (germline): Pathogenic (1 of 4 stars; one submission).

Conditions:
Bardet-Biedl syndrome (BBS). Identifiers: Orphanet 110, MedGen C0752166, MONDO:0015229.

Submission:

Labcorp Genetics (formerly Invitae), Labcorp
Classification: Pathogenic for Bardet-Biedl syndrome. Last evaluated: 2021-09-06. Review status: criteria provided, single submitter. Criteria: Invitae Variant Classification Sherloc (09022015). Collection method: clinical testing. Allele origin: germline.
Comment: This sequence change creates a premature translational stop signal (p.Lys295*) in the BBS10 gene. While this is not anticipated to result in nonsense mediated decay, it is expected to disrupt the last 429 amino acid(s) of the BBS10 protein. This variant is not present in population databases (ExAC no frequency). This variant has not been reported in the literature in individuals affected with BBS10-related conditions. This variant disrupts a region of the BBS10 protein in which other variant(s) (p.Val707*) have been determined to be pathogenic (PMID: 20472660, 22773737, 25982971, 27486776). This suggests that this is a clinically significant region of the protein, and that variants that disrupt it are likely to be disease-causing. For these reasons, this variant has been classified as Pathogenic.

Literature cited by the submitters: PubMed 20472660; PubMed 22773737; PubMed 25982971; PubMed 27486776.

NM_024685.4(BBS10):c.883A>T (p.Lys295Ter)

Gene: BBS10 (Bardet-Biedl syndrome 10; minus strand). Cytogenetic location: 12q21.2.
Variant type: single nucleotide variant.
Coding change: c.883A>T on transcript NM_024685.4 (MANE Select); coding-DNA position 883, A replaced by T.
Protein change: p.Lys295Ter; replaces lysine 295 with a stop codon.
Molecular consequence: nonsense.
Genome position (GRCh38, 1-based): chr12:76,347,102, T>A on the plus strand (A>T on the coding strand, the complement: BBS10 is on the minus strand). VCF-style: chr12-76347102-T-A. GRCh37 (hg19) VCF-style: chr12-76740882-T-A.
Other names: short protein forms K295*.
Identifiers: ClinVar variation 1372511 (VCV001372511.6), dbSNP rs2136090788, ClinGen allele CA385813812.
Genomic context (GRCh38, chr12:76,347,102, plus strand): 5'-GTTTCACACTAGATATGAGCAATTTTACATTCTGACTATGTAGATGTTTCATTATTGCTT[T>A]TGTCTTTTCCATAATCCAAAATTGAGATGTCTGAAACTGTGCTTCTGAATTTAGAATAAA-3'